The following is an entry in ClinVar:

NM_012120.3(CD2AP):c.219A>G (p.Glu73=)

Gene: CD2AP (CD2 associated protein; plus strand). Cytogenetic location: 6p12.3.
Variant type: single nucleotide variant.
Coding change: c.219A>G on transcript NM_012120.3 (MANE Select); coding-DNA position 219, A replaced by G.
Protein change: p.Glu73=; no amino-acid change (glutamic acid 73 retained).
Molecular consequence: synonymous variant.
Genome position (GRCh38, 1-based): chr6:47,533,655, A>G. VCF-style: chr6-47533655-A-G. GRCh37 (hg19) VCF-style: chr6-47501391-A-G.
Identifiers: ClinVar variation 260189 (VCV000260189.19), dbSNP rs7749045, ClinGen allele CA3843925.
Genomic context (GRCh38, chr6:47,533,655, plus strand): 5'-TTTGTAGGAAATTAAAAGAGAGACGGAATTCAAGGATGACAGTTTGCCCATCAAACGGGA[A>G]AGGCATGGGAATGTAGCAAGTCTTGTACAACGAATAAGCACCTATGGACTTCCAGCTGGA-3'
Protein context (NP_036252.1, residues 63-83): FKDDSLPIKR[Glu73=]RHGNVASLVQ

ClinVar aggregate classification (germline): Benign/Likely benign. Review status: criteria provided, multiple submitters, no conflicts (2 of 4 stars). 6 submissions from 6 submitters: Benign (4); Likely benign (2). Last evaluated 2025-12-15.

Conditions:
Focal segmental glomerulosclerosis 3, susceptibility to (FSGS3). Identifiers: Orphanet 656, MedGen C1842982, MONDO:0011917, OMIM 607832.
Focal segmental glomerulosclerosis (FSGS). Also called: Glomerulosclerosis, focal; Focal sclerosis with hyalinosis. Identifiers: MedGen C0017668, MONDO:0100313, HP:0000097. Disease mechanism: loss of function.

Allele frequency attached by ClinVar (database versions not stated): ExAC 0.00270; gnomAD 0.00792 and 0.00843; ESP Exome Variant Server 0.00877; TOPMed 0.00901; 1000 Genomes Project 0.01178; 1000 Genomes Project 30x 0.01218; gnomAD exomes 0.00077 and 0.00213.
gnomAD v4.1: 2,358 of 1,614,094 alleles (0.15%); highest among the groups gnomAD compares: African/African-American, 2.8%; 28 homozygotes.

Submissions (6):

Labcorp Genetics (formerly Invitae), Labcorp
Classification: Benign. Last evaluated: 2025-12-15. Review status: criteria provided, single submitter. Criteria: Invitae Variant Classification Sherloc (09022015). Collection method: clinical testing. Allele origin: germline.

GeneDx
Classification: Likely benign. Last evaluated: 2020-03-11. Review status: criteria provided, single submitter. Criteria: GeneDx Variant Classification Process June 2021. Collection method: clinical testing. Allele origin: germline. Affected: yes.

Genome Diagnostics Laboratory, The Hospital for Sick Children
Classification: Benign for Focal segmental glomerulosclerosis. Last evaluated: 2018-10-01. Review status: criteria provided, single submitter. Criteria: ACMG Guidelines, 2015. Collection method: clinical testing. Allele origin: germline.

Illumina Laboratory Services, Illumina
Classification: Benign for Focal segmental glomerulosclerosis 3, susceptibility to. Last evaluated: 2018-01-13. Review status: criteria provided, single submitter. Criteria: ICSL Variant Classification Criteria 13 December 2019. Collection method: clinical testing. Allele origin: germline.
Comment: This variant was observed in the ICSL laboratory as part of a predisposition screen in an ostensibly healthy population. It had not been previously curated by ICSL or reported in the Human Gene Mutation Database (HGMD: prior to June 1st, 2018), and was therefore a candidate for classification through an automated scoring system. Utilizing variant allele frequency, disease prevalence and penetrance estimates, and inheritance mode, an automated score was calculated to assess if this variant is too frequent to cause the disease. Based on the score and internal cut-off values, a variant classified as benign is not then subjected to further curation. The score for this variant resulted in a classification of benign for this disease.

Breakthrough Genomics
Classification: Likely benign. Review status: criteria provided, single submitter. Criteria: ACMG Guidelines, 2015. Collection method: not provided. Allele origin: germline. Inheritance: Unknown mechanism. Affected: yes.

PreventionGenetics, part of Exact Sciences
Classification: Benign. Review status: criteria provided, single submitter. Criteria: ACMG Guidelines, 2015. Collection method: clinical testing. Allele origin: germline.